The following is an entry in ClinVar:

NM_002734.5(PRKAR1A):c.1045A>C (p.Lys349Gln)

Gene: PRKAR1A (protein kinase cAMP-dependent type I regulatory subunit alpha; plus strand). Cytogenetic location: 17q24.2.
Variant type: single nucleotide variant.
Coding change: c.1045A>C on transcript NM_002734.5 (MANE Select); coding-DNA position 1045, A replaced by C.
Protein change: p.Lys349Gln; replaces lysine 349 with glutamine.
Molecular consequence: missense variant. On other transcripts: intron variant (1).
Genome position (GRCh38, 1-based): chr17:68,530,348, A>C. VCF-style: chr17-68530348-A-C. GRCh37 (hg19) VCF-style: chr17-66526489-A-C.
Other names: c.1045A>C, p.Lys349Gln (NM_001276289.2, NM_001278433.2, NM_001369389.1 and 3 more transcripts); c.973+347A>C (NM_001276290.1); short protein forms K349Q.
Identifiers: ClinVar variation 1775184 (VCV001775184.6), dbSNP rs2509446793, ClinGen allele CA400754647.
Genomic context (GRCh38, chr17:68,530,348, plus strand): 5'-CTACTGATGAATCGTCCTCGTGCTGCCACAGTTGTTGCTCGTGGCCCCTTGAAGTGCGTT[A>C]AGCTGGACCGACCTAGATTTGAACGTGTTCTTGGCCCATGCTCAGACATCCTCAAACGAA-3'
Protein context (NP_002725.1, residues 339-359): VVARGPLKCV[Lys349Gln]LDRPRFERVL

ClinVar aggregate classification (germline): Uncertain significance. Review status: criteria provided, multiple submitters, no conflicts (2 of 4 stars). 2 submissions from 2 submitters: Uncertain significance (2). Last evaluated 2023-04-03.

Conditions:
Hereditary cancer-predisposing syndrome. Also called: Hereditary Cancer Syndrome; Hereditary neoplastic syndrome; Neoplastic Syndromes, Hereditary; Tumor predisposition. Identifiers: Orphanet 140162, MedGen C0027672, MeSH D009386, MONDO:0015356.
Carney complex, type 1 (CNC1). Also called: CARNEY MYXOMA-ENDOCRINE COMPLEX; CARNEY COMPLEX, TYPE I. Identifiers: Orphanet 1359, MedGen C2607929, MONDO:0008057, OMIM 160980.

Allele frequency attached by ClinVar (database versions not stated): gnomAD exomes below 0.00001.
gnomAD v4.1: 2 of 1,614,062 alleles (0.00012%); highest among the groups gnomAD compares: Non-Finnish European, 0.00017%; no homozygotes.

Submissions (2):

Labcorp Genetics (formerly Invitae), Labcorp
Classification: Uncertain significance for Carney complex, type 1. Last evaluated: 2023-04-03. Review status: criteria provided, single submitter. Criteria: Invitae Variant Classification Sherloc (09022015). Collection method: clinical testing. Allele origin: germline.
Comment: This sequence change replaces lysine, which is basic and polar, with glutamine, which is neutral and polar, at codon 349 of the PRKAR1A protein (p.Lys349Gln). This variant is not present in population databases (gnomAD no frequency). This variant has not been reported in the literature in individuals affected with PRKAR1A-related conditions. ClinVar contains an entry for this variant (Variation ID: 1775184). Advanced modeling of protein sequence and biophysical properties (such as structural, functional, and spatial information, amino acid conservation, physicochemical variation, residue mobility, and thermodynamic stability) performed at Invitae indicates that this missense variant is expected to disrupt PRKAR1A protein function. In summary, the available evidence is currently insufficient to determine the role of this variant in disease. Therefore, it has been classified as a Variant of Uncertain Significance.

Ambry Genetics
Classification: Uncertain significance for Hereditary cancer-predisposing syndrome. Last evaluated: 2022-04-19. Review status: criteria provided, single submitter. Criteria: Ambry Variant Classification Scheme 2023. Collection method: clinical testing. Allele origin: germline.
Comment: The p.K349Q variant (also known as c.1045A>C), located in coding exon 10 of the PRKAR1A gene, results from an A to C substitution at nucleotide position 1045. The lysine at codon 349 is replaced by glutamine, an amino acid with similar properties. This amino acid position is conserved. In addition, this alteration is predicted to be deleterious by in silico analysis. Since supporting evidence is limited at this time, the clinical significance of this alteration remains unclear.